The following is an entry in ClinVar:

NM_024426.6(WT1):c.765G>T (p.Met255Ile)

Gene: WT1 (WT1 transcription factor; minus strand). Cytogenetic location: 11p13.
Variant type: single nucleotide variant.
Coding change: c.765G>T on transcript NM_024426.6 (MANE Select); coding-DNA position 765, G replaced by T.
Protein change: p.Met255Ile; replaces methionine 255 with isoleucine.
Molecular consequence: missense variant. On other transcripts: non-coding transcript variant (1).
Genome position (GRCh38, 1-based): chr11:32,428,516, C>A on the plus strand (G>T on the coding strand, the complement: WT1 is on the minus strand). VCF-style: chr11-32428516-C-A. GRCh37 (hg19) VCF-style: chr11-32450062-C-A.
Other names: c.765G>T, p.Met255Ile (NM_000378.6, NM_001407044.1, NM_001407045.1 and 4 more transcripts); c.114G>T, p.Met38Ile (NM_001198551.2, NM_001198552.2); c.3G>T, p.Met1Ile (NM_001407051.1); c.750G>T, p.Met250Ile (NM_024425.2); short protein forms M38I, M255I, M1I.
Identifiers: ClinVar variation 406683 (VCV000406683.9), dbSNP rs1060501255, ClinGen allele CA16613569.

ClinVar aggregate classification (germline): Uncertain significance. Review status: criteria provided, multiple submitters, no conflicts (2 of 4 stars). 2 submissions from 2 submitters: Uncertain significance (2). Last evaluated 2025-11-12.

Conditions:
Inborn genetic diseases. Identifiers: MedGen C0950123, MeSH D030342.
Wilms tumor 1 (WT1). Also called: Wilms tumor, somatic. Identifiers: Orphanet 654, MedGen CN033288, MONDO:0008679, OMIM 194070.
Frasier syndrome. Identifiers: Orphanet 347, MedGen C0950122, MeSH D052159, MONDO:0007635, OMIM 136680.
Drash syndrome (DDS). Also called: NEPHROPATHY, WILMS TUMOR, AND GENITAL ANOMALIES; WILMS TUMOR AND PSEUDO- OR TRUE HERMAPHRODITISM. Identifiers: Orphanet 220, MedGen C0950121, MONDO:0008682, OMIM 194080.
11p partial monosomy syndrome (WAGR). Also called: CHROMOSOME 11p13 DELETION SYNDROME; WAGR syndrome; WAGR Complex; WAGR Spectrum Disorder. Identifiers: Orphanet 893, MedGen C0206115, MONDO:0008681, OMIM 194072.

Allele frequency attached by ClinVar (database versions not stated): gnomAD exomes below 0.00001.
gnomAD v4.1: 1 of 1,614,164 alleles (0.000062%); highest among the groups gnomAD compares: Non-Finnish European, 0.000085%; no homozygotes.

Submissions (2):

Ambry Genetics
Classification: Uncertain significance for Inborn genetic diseases. Last evaluated: 2025-11-12. Review status: criteria provided, single submitter. Criteria: Ambry Variant Classification Scheme 2023. Collection method: clinical testing. Allele origin: germline.
Comment: The p.M250I variant (also known as c.750G>T), located in coding exon 2 of the WT1 gene, results from a G to T substitution at nucleotide position 750. The methionine at codon 250 is replaced by isoleucine, an amino acid with highly similar properties. This amino acid position is conserved. In addition, this alteration is predicted to be tolerated by in silico analysis. Based on the available evidence, the clinical significance of this variant remains unclear.

Labcorp Genetics (formerly Invitae), Labcorp
Classification: Uncertain significance for Wilms tumor 1; Drash syndrome; 11p partial monosomy syndrome; Frasier syndrome. Last evaluated: 2023-08-16. Review status: criteria provided, single submitter. Criteria: Invitae Variant Classification Sherloc (09022015). Collection method: clinical testing. Allele origin: germline.
Comment: This variant is not present in population databases (gnomAD no frequency). This sequence change replaces methionine, which is neutral and non-polar, with isoleucine, which is neutral and non-polar, at codon 250 of the WT1 protein (p.Met250Ile). This variant has not been reported in the literature in individuals affected with WT1-related conditions. In summary, the available evidence is currently insufficient to determine the role of this variant in disease. Therefore, it has been classified as a Variant of Uncertain Significance. Advanced modeling of protein sequence and biophysical properties (such as structural, functional, and spatial information, amino acid conservation, physicochemical variation, residue mobility, and thermodynamic stability) performed at Invitae indicates that this missense variant is not expected to disrupt WT1 protein function. ClinVar contains an entry for this variant (Variation ID: 406683).